The following is an entry in ClinVar:

ClinVar aggregate classification (germline): Likely pathogenic (1 of 4 stars; one submission).

Conditions:
Alport syndrome. Also called: Hemorrhagic familial nephritis; Hemorrhagic hereditary nephritis; Congenital hereditary hematuria. Identifiers: Orphanet 63, MedGen C1567741, MONDO:0018965.

Submission:

Natera, Inc.
Classification: Likely pathogenic for Alport syndrome. Last evaluated: 2025-11-24. Review status: criteria provided, single submitter. Criteria: Natera Variant Classification Schema (03/2026). Collection method: clinical testing. Allele origin: germline.
Comment: The c.3013G>C variant in COL4A4 is a missense variant predicted to cause substitution of glycine to arginine at amino acid 1005. This variant is rare in the general population with a frequency below the threshold expected for the associated phenotype(s). This variant is located in a functionally critical region of the protein. A different variant at the same position has been determined to be Pathogenic or Likely Pathogenic. Computational prediction algorithms indicate this variant is likely to affect gene or protein function. Given the available evidence, this variant is classified as Likely Pathogenic.

NM_000092.5(COL4A4):c.3013G>C (p.Gly1005Arg)

Gene: COL4A4 (collagen type IV alpha 4 chain; minus strand). Cytogenetic location: 2q36.3.
Variant type: single nucleotide variant.
Coding change: c.3013G>C on transcript NM_000092.5 (MANE Select); coding-DNA position 3013, G replaced by C.
Protein change: p.Gly1005Arg; replaces glycine 1005 with arginine.
Molecular consequence: missense variant.
Genome position (GRCh38, 1-based): chr2:227,051,114, C>G on the plus strand (G>C on the coding strand, the complement: COL4A4 is on the minus strand). VCF-style: chr2-227051114-C-G. GRCh37 (hg19) VCF-style: chr2-227915830-C-G.
Other names: short protein forms G1005R.
Identifiers: ClinVar variation 4817322 (VCV004817322.1).
Genomic context (GRCh38, chr2:227,051,114, plus strand): 5'-GCCCTGGCTGACCTTTCTCACCAGGTTCCCCTCTGTGAAATCCAGGTGGTCCGTATCTTC[C>G]CGGCTCTCCTCTTCTCCCTTGCATCCCGGGAGTTCCTTTATCACCTGATGAAGTTGGAAG-3'
Protein context (NP_000083.3, residues 995-1015): PGMQGRRGEP[Gly1005Arg]RYGPPGFHRG